The following is an entry in ClinVar:

ClinVar aggregate classification (germline): Uncertain significance. Review status: criteria provided, multiple submitters, no conflicts (2 of 4 stars). 2 submissions from 2 submitters: Uncertain significance (2). Last evaluated 2024-12-20.

Conditions:
Rhabdoid tumor predisposition syndrome 2 (RTPS2). Identifiers: Orphanet 231108, Orphanet 69077, MedGen C2750074, MONDO:0013224, OMIM 613325.
Hereditary cancer-predisposing syndrome. Also called: Hereditary neoplastic syndrome; Neoplastic Syndromes, Hereditary; Tumor predisposition; Hereditary Cancer Syndrome. Identifiers: Orphanet 140162, MedGen C0027672, MeSH D009386, MONDO:0015356.

Submissions (2):

Ambry Genetics
Classification: Uncertain significance for Hereditary cancer-predisposing syndrome. Last evaluated: 2024-12-20. Review status: criteria provided, single submitter. Criteria: Ambry Variant Classification Scheme 2023. Collection method: clinical testing. Allele origin: germline.
Comment: The c.4266+1G>C intronic variant results from a G to C substitution one nucleotide after coding exon 29 of the SMARCA4 gene. This nucleotide position is highly conserved in available vertebrate species. In silico splice site analysis predicts that this alteration will not have any significant effect on splicing. RNA studies have demonstrated that this alteration results in a transcript predicted to lead to a protein with an in-frame loss of the 32 amino acids of coding exon 29. However, the exact functional impact of the deleted amino acids is unknown as this region of the SMARCA4 gene is excluded from other biologically relevant transcripts (Ambry internal data). Since supporting evidence is limited at this time, the clinical significance of this alteration remains unclear.

Labcorp Genetics (formerly Invitae), Labcorp
Classification: Uncertain significance for Rhabdoid tumor predisposition syndrome 2. Last evaluated: 2024-02-05. Review status: criteria provided, single submitter. Criteria: Invitae Variant Classification Sherloc (09022015). Collection method: clinical testing. Allele origin: germline.
Comment: This sequence change affects a donor splice site in intron 30 of the SMARCA4 gene. Loss-of-function variants in SMARCA4 are known to be pathogenic (PMID: 24658001, 24658002). However, tissue-specific alternative splicing of SMARCA4 gene results in functional isoforms lacking in-frame exon 30 (also known as exon 28B, PMID: 18437052). For this reason the clinical significance of loss of function variants in exon 30 is currently uncertain. This variant is not present in population databases (gnomAD no frequency). This variant has not been reported in the literature in individuals affected with SMARCA4-related conditions. ClinVar contains an entry for this variant (Variation ID: 470387). Algorithms developed to predict the effect of sequence changes on RNA splicing suggest that this variant may disrupt the consensus splice site. In summary, the available evidence is currently insufficient to determine the role of this variant in disease. Therefore, it has been classified as a Variant of Uncertain Significance.

Literature cited by the submitters: PubMed 24658001 (cited by Labcorp Genetics (formerly Invitae), Labcorp); PubMed 24658002 (cited by Labcorp Genetics (formerly Invitae), Labcorp).

NM_001387283.1(SMARCA4):c.4266+1G>C

Gene: SMARCA4 (SWI/SNF related BAF chromatin remodeling complex subunit ATPase 4; plus strand). Cytogenetic location: 19p13.2.
Variant type: single nucleotide variant.
Coding change: c.4266+1G>C on transcript NM_001387283.1 (MANE Plus Clinical); the canonical splice donor site of the intron after coding-DNA position 4266, G replaced by C.
Molecular consequence: splice donor variant. On other transcripts: intron variant (7).
Genome position (GRCh38, 1-based): chr19:11,039,554, G>C. VCF-style: chr19-11039554-G-C. GRCh37 (hg19) VCF-style: chr19-11150230-G-C.
Other names: c.4171-1753G>C (NM_001128844.3, NM_003072.5); c.4266+1G>C (NM_001128849.3); c.4072-1753G>C (NM_001128847.4, NM_001374457.1, NM_001128848.2); c.4167+1G>C (NM_001411150.1); c.4072-1744G>C (NM_001128845.2, NM_001128846.2).
Identifiers: ClinVar variation 470387 (VCV000470387.14), dbSNP rs1060502086, ClinGen allele CA404071957.